The following is an entry in ClinVar:

NM_001004482.1(OR13C5):c.243G>T (p.Thr81=)

Gene: OR13C5 (olfactory receptor family 13 subfamily C member 5; minus strand). Cytogenetic location: 9q31.1.
Variant type: single nucleotide variant.
Coding change: c.243G>T on transcript NM_001004482.1 (MANE Select); coding-DNA position 243, G replaced by T.
Protein change: p.Thr81=; no amino-acid change (threonine 81 retained).
Molecular consequence: synonymous variant.
Genome position (GRCh38, 1-based): chr9:104,599,171, C>A on the plus strand (G>T on the coding strand, the complement: OR13C5 is on the minus strand). VCF-style: chr9-104599171-C-A. GRCh37 (hg19) VCF-style: chr9-107361452-C-A.
Identifiers: ClinVar variation 2659355 (VCV002659355.24), dbSNP rs75081605, ClinGen allele CA5166147.

ClinVar aggregate classification (germline): Likely benign (1 of 4 stars; one submission).

Submission:

CeGaT Center for Human Genetics Tuebingen
Classification: Likely benign. Last evaluated: 2024-08-01. Review status: criteria provided, single submitter. Criteria: CeGaT Center For Human Genetics Tuebingen Variant Classification Criteria Version 2. Collection method: clinical testing. Allele origin: germline. Affected: yes. Observed: 2 variant alleles.
Comment: OR13C5: BP4, BP7